The following is an entry in ClinVar:

ClinVar aggregate classification (germline): Uncertain significance. Review status: criteria provided, multiple submitters, no conflicts (2 of 4 stars). 2 submissions from 2 submitters: Uncertain significance (2). Last evaluated 2022-12-19.

Conditions:
Hereditary cancer-predisposing syndrome. Also called: Tumor predisposition; Hereditary Cancer Syndrome; Hereditary neoplastic syndrome; Neoplastic Syndromes, Hereditary. Identifiers: Orphanet 140162, MedGen C0027672, MeSH D009386, MONDO:0015356.

Submissions (2):

Ambry Genetics
Classification: Uncertain significance for Hereditary cancer-predisposing syndrome. Last evaluated: 2022-12-19. Review status: criteria provided, single submitter. Criteria: Ambry Variant Classification Scheme 2023. Collection method: clinical testing. Allele origin: germline.
Comment: The p.T1552A variant (also known as c.4654A>G), located in coding exon 36 of the POLE gene, results from an A to G substitution at nucleotide position 4654. The threonine at codon 1552 is replaced by alanine, an amino acid with similar properties. This amino acid position is conserved. In addition, this alteration is predicted to be tolerated by in silico analysis. Since supporting evidence is limited at this time, the clinical significance of this alteration remains unclear.

Labcorp Genetics (formerly Invitae), Labcorp
Classification: Uncertain significance. Last evaluated: 2022-04-03. Review status: criteria provided, single submitter. Criteria: Invitae Variant Classification Sherloc (09022015). Collection method: clinical testing. Allele origin: germline.
Comment: In summary, the available evidence is currently insufficient to determine the role of this variant in disease. Therefore, it has been classified as a Variant of Uncertain Significance. Algorithms developed to predict the effect of missense changes on protein structure and function output the following: SIFT: "Tolerated"; PolyPhen-2: "Benign"; Align-GVGD: "Class C0". The alanine amino acid residue is found in multiple mammalian species, which suggests that this missense change does not adversely affect protein function. This variant has not been reported in the literature in individuals affected with POLE-related conditions. This variant is not present in population databases (gnomAD no frequency). This sequence change replaces threonine, which is neutral and polar, with alanine, which is neutral and non-polar, at codon 1552 of the POLE protein (p.Thr1552Ala).

NM_006231.4(POLE):c.4654A>G (p.Thr1552Ala)

Gene: POLE (DNA polymerase epsilon, catalytic subunit; minus strand). Cytogenetic location: 12q24.33.
Variant type: single nucleotide variant.
Coding change: c.4654A>G on transcript NM_006231.4 (MANE Select); coding-DNA position 4654, A replaced by G.
Protein change: p.Thr1552Ala; replaces threonine 1552 with alanine.
Molecular consequence: missense variant.
Genome position (GRCh38, 1-based): chr12:132,642,894, T>C on the plus strand (A>G on the coding strand, the complement: POLE is on the minus strand). VCF-style: chr12-132642894-T-C. GRCh37 (hg19) VCF-style: chr12-133219480-T-C.
Other names: c.4654A>G (NM_006231.2); short protein forms T1552A.
Identifiers: ClinVar variation 1989239 (VCV001989239.6), dbSNP rs2138540579, ClinGen allele CA387378984.